The following is an entry in ClinVar:

NM_006486.3(FBLN1):c.953C>T (p.Pro318Leu)

Gene: FBLN1 (fibulin 1; plus strand). Cytogenetic location: 22q13.31.
Variant type: single nucleotide variant.
Coding change: c.953C>T on transcript NM_006486.3 (MANE Select); coding-DNA position 953, C replaced by T.
Protein change: p.Pro318Leu; replaces proline 318 with leucine.
Molecular consequence: missense variant.
Genome position (GRCh38, 1-based): chr22:45,541,259, C>T. VCF-style: chr22-45541259-C-T. GRCh37 (hg19) VCF-style: chr22-45937139-C-T.
Other names: c.953C>T, p.Pro318Leu (NM_001996.4, NM_006485.4, NM_006487.3); short protein forms P318L.
Identifiers: ClinVar variation 4706981 (VCV004706981.1).

ClinVar aggregate classification (germline): Uncertain significance (1 of 4 stars; one submission).

gnomAD v4.1: 15 of 1,614,100 alleles (0.00093%); highest among the groups gnomAD compares: Admixed American, 0.0017%; no homozygotes.

Submission:

Labcorp Genetics (formerly Invitae), Labcorp
Classification: Uncertain significance. Last evaluated: 2025-08-29. Review status: criteria provided, single submitter. Criteria: Invitae Variant Classification Sherloc (09022015). Collection method: clinical testing. Allele origin: germline.
Comment: This sequence change replaces proline, which is neutral and non-polar, with leucine, which is neutral and non-polar, at codon 318 of the FBLN1 protein (p.Pro318Leu). This variant is present in population databases (no rsID available, gnomAD 0.0009%). This variant has not been reported in the literature in individuals affected with FBLN1-related conditions. An algorithm developed to predict the effect of missense changes on protein structure and function (PolyPhen-2) suggests that this variant is likely to be disruptive. In summary, the available evidence is currently insufficient to determine the role of this variant in disease. Therefore, it has been classified as a Variant of Uncertain Significance.